The following is an entry in ClinVar:

NM_000642.3(AGL):c.3383C>T (p.Ala1128Val)

Gene: AGL (amylo-alpha-1,6-glucosidase and 4-alpha-glucanotransferase; plus strand). Cytogenetic location: 1p21.2.
Variant type: single nucleotide variant.
Coding change: c.3383C>T on transcript NM_000642.3 (MANE Select); coding-DNA position 3383, C replaced by T.
Protein change: p.Ala1128Val; replaces alanine 1128 with valine.
Molecular consequence: missense variant.
Genome position (GRCh38, 1-based): chr1:99,900,656, C>T. VCF-style: chr1-99900656-C-T. GRCh37 (hg19) VCF-style: chr1-100366212-C-T.
Other names: c.3383C>T (NM_000642.2); c.3383C>T, p.Ala1128Val (NM_000028.3, NM_000643.3, NM_000644.3 and 1 more transcripts); c.3335C>T, p.Ala1112Val (NM_000646.3); c.3362C>T, p.Ala1121Val (NM_001425326.1); c.3182C>T, p.Ala1061Val (NM_001425327.1); c.3179C>T, p.Ala1060Val (NM_001425328.1); c.3044C>T, p.Ala1015Val (NM_001425329.1); c.3005C>T, p.Ala1002Val (NM_001425332.1); short protein forms A1128V, A1112V, A1002V, A1015V, A1060V, A1061V, A1121V.
Identifiers: ClinVar variation 649758 (VCV000649758.10), dbSNP rs1225426505, ClinGen allele CA341330658.
Genomic context (GRCh38, chr1:99,900,656, plus strand): 5'-TTTGTTTTCATTTCTGATCCACTTAATTCTGTTGTTTTAGGAATATTATTTTAGCATTTG[C>T]GGGTACCCTGAGGCATGGTCTCATTCCTAATCTACTGGGTGAAGGAATTTATGCCAGATA-3'
Protein context (NP_000633.2, residues 1118-1138): VEARNIILAF[Ala1128Val]GTLRHGLIPN

ClinVar aggregate classification (germline): Uncertain significance. Review status: criteria provided, multiple submitters, no conflicts (2 of 4 stars). 3 submissions from 3 submitters: Uncertain significance (2). 1 of the submissions does not count toward it. Last evaluated 2025-05-15.

Conditions:
Glycogen storage disease type III (GSD3). Also called: Cori disease; FORBES DISEASE. Identifiers: Orphanet 366, MedGen C0017922, MONDO:0009291, OMIM 232400.
Inborn genetic diseases. Identifiers: MedGen C0950123, MeSH D030342.

Allele frequency attached by ClinVar (database versions not stated): gnomAD exomes below 0.00001 and 0.00003.
gnomAD v4.1: 37 of 1,613,784 alleles (0.0023%); highest among the groups gnomAD compares: South Asian, 0.0055%; no homozygotes.

Submissions (3):

Ambry Genetics
Classification: Uncertain significance for Inborn genetic diseases. Last evaluated: 2025-05-15. Review status: criteria provided, single submitter. Criteria: Ambry Variant Classification Scheme 2023. Collection method: clinical testing. Allele origin: germline.

Labcorp Genetics (formerly Invitae), Labcorp
Classification: Uncertain significance for Glycogen storage disease type III. Last evaluated: 2022-03-18. Review status: criteria provided, single submitter. Criteria: Invitae Variant Classification Sherloc (09022015). Collection method: clinical testing. Allele origin: germline.
Comment: This sequence change replaces alanine, which is neutral and non-polar, with valine, which is neutral and non-polar, at codon 1128 of the AGL protein (p.Ala1128Val). This variant is present in population databases (no rsID available, gnomAD 0.003%). This variant has not been reported in the literature in individuals affected with AGL-related conditions. ClinVar contains an entry for this variant (Variation ID: 649758). Algorithms developed to predict the effect of missense changes on protein structure and function are either unavailable or do not agree on the potential impact of this missense change (SIFT: "Deleterious"; PolyPhen-2: "Probably Damaging"; Align-GVGD: "Class C0"). In summary, the available evidence is currently insufficient to determine the role of this variant in disease. Therefore, it has been classified as a Variant of Uncertain Significance.

Natera, Inc.
Classification: Uncertain significance for Glycogen storage disease type III. Last evaluated: 2020-09-16. Review status: no assertion criteria provided. Collection method: clinical testing. Allele origin: germline. Not counted in ClinVar's aggregate classification.